The following is an entry in ClinVar:

NM_000018.4(ACADVL):c.1816T>C (p.Trp606Arg)

Gene: ACADVL (acyl-CoA dehydrogenase very long chain; plus strand). Cytogenetic location: 17p13.1.
Variant type: single nucleotide variant.
Coding change: c.1816T>C on transcript NM_000018.4 (MANE Select); coding-DNA position 1816, T replaced by C.
Protein change: p.Trp606Arg; replaces tryptophan 606 with arginine.
Molecular consequence: missense variant.
Genome position (GRCh38, 1-based): chr17:7,224,873, T>C. VCF-style: chr17-7224873-T-C. GRCh37 (hg19) VCF-style: chr17-7128192-T-C.
Other names: c.1750T>C, p.Trp584Arg (NM_001033859.3); c.1885T>C, p.Trp629Arg (NM_001270447.2); c.1588T>C, p.Trp530Arg (NM_001270448.2); short protein forms W530R, W629R, W606R, W584R.
Identifiers: ClinVar variation 2769300 (VCV002769300.3), dbSNP rs2508371162, ClinGen allele CA397725951.

ClinVar aggregate classification (germline): Likely pathogenic (1 of 4 stars; one submission).

Conditions:
Very long chain acyl-CoA dehydrogenase deficiency (ACADVLD). Also called: Very Long-Chain Acyl-Coenzyme A Dehydrogenase Deficiency; VLCAD Deficiency. Identifiers: Orphanet 26793, MedGen C3887523, MONDO:0008723, OMIM 201475.

Submission:

Labcorp Genetics (formerly Invitae), Labcorp
Classification: Likely pathogenic for Very long chain acyl-CoA dehydrogenase deficiency. Last evaluated: 2023-10-17. Review status: criteria provided, single submitter. Criteria: Invitae Variant Classification Sherloc (09022015). Collection method: clinical testing. Allele origin: germline.
Comment: This sequence change replaces tryptophan, which is neutral and slightly polar, with arginine, which is basic and polar, at codon 606 of the ACADVL protein (p.Trp606Arg). This variant is not present in population databases (gnomAD no frequency). This missense change has been observed in individual(s) with very long-chain acyl-CoA dehydrogenase deficiency (PMID: 35281659). Advanced modeling of protein sequence and biophysical properties (such as structural, functional, and spatial information, amino acid conservation, physicochemical variation, residue mobility, and thermodynamic stability) performed at Invitae indicates that this missense variant is expected to disrupt ACADVL protein function. In summary, the currently available evidence indicates that the variant is pathogenic, but additional data are needed to prove that conclusively. Therefore, this variant has been classified as Likely Pathogenic.

Literature cited by the submitters: PubMed 35281659.